The following is an entry in ClinVar:

NM_000548.5(TSC2):c.2804C>T (p.Ala935Val)

Gene: TSC2 (TSC complex subunit 2; plus strand). Cytogenetic location: 16p13.3.
Variant type: single nucleotide variant.
Coding change: c.2804C>T on transcript NM_000548.5 (MANE Select); coding-DNA position 2804, C replaced by T.
Protein change: p.Ala935Val; replaces alanine 935 with valine.
Molecular consequence: missense variant.
Genome position (GRCh38, 1-based): chr16:2,076,552, C>T. VCF-style: chr16-2076552-C-T. GRCh37 (hg19) VCF-style: chr16-2126553-C-T.
Other names: c.2804C>T, p.Ala935Val (NM_001077183.3, NM_001114382.3, NM_001363528.2 and 3 more transcripts); c.2693C>T, p.Ala898Val (NM_001318827.2); c.2657C>T, p.Ala886Val (NM_001318829.2); c.2204C>T, p.Ala735Val (NM_001318831.2); c.2837C>T, p.Ala946Val (NM_001318832.2); short protein forms A935V, A735V, A946V, A886V, A898V.
Identifiers: ClinVar variation 535886 (VCV000535886.16), dbSNP rs1555508975, ClinGen allele CA394280095.

ClinVar aggregate classification (germline): Uncertain significance. Review status: criteria provided, multiple submitters, no conflicts (2 of 4 stars). 3 submissions from 3 submitters: Uncertain significance (3). Last evaluated 2025-12-15.

Conditions:
Hereditary cancer-predisposing syndrome. Also called: Tumor predisposition; Hereditary Cancer Syndrome; Neoplastic Syndromes, Hereditary; Hereditary neoplastic syndrome. Identifiers: Orphanet 140162, MedGen C0027672, MeSH D009386, MONDO:0015356.
Tuberous sclerosis 2 (TSC2). Identifiers: Orphanet 805, MedGen C1860707, MONDO:0013199, OMIM 613254.

Allele frequency attached by ClinVar (database versions not stated): TOPMed below 0.00001.

Submissions (3):

Ambry Genetics
Classification: Uncertain significance for Hereditary cancer-predisposing syndrome. Last evaluated: 2025-12-15. Review status: criteria provided, single submitter. Criteria: Ambry Variant Classification Scheme 2023. Collection method: clinical testing. Allele origin: germline.
Comment: The p.A935V variant (also known as c.2804C>T), located in coding exon 24 of the TSC2 gene, results from a C to T substitution at nucleotide position 2804. The alanine at codon 935 is replaced by valine, an amino acid with similar properties. This amino acid position is conserved. In addition, the in silico prediction for this alteration is inconclusive. Based on the available evidence, the clinical significance of this variant remains unclear.

Labcorp Genetics (formerly Invitae), Labcorp
Classification: Uncertain significance for Tuberous sclerosis 2. Last evaluated: 2022-04-30. Review status: criteria provided, single submitter. Criteria: Invitae Variant Classification Sherloc (09022015). Collection method: clinical testing. Allele origin: germline.
Comment: Advanced modeling of protein sequence and biophysical properties (such as structural, functional, and spatial information, amino acid conservation, physicochemical variation, residue mobility, and thermodynamic stability) performed at Invitae indicates that this missense variant is not expected to disrupt TSC2 protein function. ClinVar contains an entry for this variant (Variation ID: 535886). In summary, the available evidence is currently insufficient to determine the role of this variant in disease. Therefore, it has been classified as a Variant of Uncertain Significance. This variant has not been reported in the literature in individuals affected with TSC2-related conditions. This variant is not present in population databases (gnomAD no frequency). This sequence change replaces alanine, which is neutral and non-polar, with valine, which is neutral and non-polar, at codon 935 of the TSC2 protein (p.Ala935Val).

St. Jude Molecular Pathology, St. Jude Children's Research Hospital
Classification: Uncertain significance for Tuberous sclerosis 2. Last evaluated: 2022-01-27. Review status: criteria provided, single submitter. Criteria: St. Jude Assertion Criteria 2020. Collection method: clinical testing. Allele origin: germline.
Comment: The TSC2 c.2804C>T (p.Ala935Val) missense variant is absent in gnomAD v2.1.1 (PM2_Supporting ). Five of seven in silico tools predict a deleterious effect of this variant on protein function (PP3), but to our knowledge these predictions have not been confirmed by functional assays. To our knowledge, this variant has not been reported in individuals with tuberous sclerosis complex. In summary, this variant meets criteria to be classified as of uncertain significance based on the ACMG/AMP criteria: PM2_Supporting, PP3.